The following is an entry in ClinVar:

ClinVar aggregate classification (germline): Pathogenic (1 of 4 stars; one submission).

Conditions:
Sensorineural hearing loss disorder. Also called: Sensorineural hearing loss; Sensorineural hearing impairment; Sensorineural Deafness. Identifiers: MedGen C0018784, MeSH D006319, MONDO:0020678, HP:0000407.
Hirschsprung disease, susceptibility to, 1 (HSCR1). Also called: RET-Related Hirschsprung Disease. Identifiers: Orphanet 388, MedGen C3888239, MONDO:0007723, OMIM 142623.

Submission:

Petrovsky National Research Centre of Surgery, The Federal Agency for Scientific Organizations
Classification: Pathogenic for Hirschsprung disease, susceptibility to, 1; Sensorineural hearing loss disorder. Last evaluated: 2018-11-06. Review status: criteria provided, single submitter. Criteria: ACMG Guidelines, 2015. Collection method: research. Allele origin: de novo. Inheritance: Autosomal dominant inheritance. Affected: yes. Observed: 1 heterozygote.
Comment: The variant c.1280-1281delTG leads to premature stop-codon and was observed de novo. In summary, the c.1280_1281delTG variant meets ACMG criteria for pathogenic variants.

NM_020975.6(RET):c.1280_1281del (p.Val427fs)

Gene: RET (ret proto-oncogene; plus strand). Cytogenetic location: 10q11.21.
Variant type: Microsatellite.
Coding change: c.1280_1281del on transcript NM_020975.6 (MANE Select); coding-DNA positions 1280 to 1281, 2 bases deleted (TG; older notation c.1280_1281delTG).
Protein change: p.Val427fs; shifts the reading frame from valine 427.
Molecular consequence: frameshift variant.
Genome position (GRCh38, 1-based): chr10:43,111,223-43,111,224, TG deleted; deleting any 2 consecutive bases within chr10:43,111,219-43,111,224 gives the same sequence; the c. name uses the placement nearest the transcript's 3' end. VCF-style (leftmost placement, unchanged base first): chr10-43111218-CTG-C. GRCh37 (hg19) VCF-style: chr10-43606666-CTG-C.
Other names: c.1276_1277TG[2], p.Val427Glyfs (NM_000323.2, NM_001406743.1, NM_001406744.1 and 6 more transcripts); c.514_515TG[2], p.Val173Glyfs (NM_001355216.2); c.1147_1148TG[2], p.Val384Glyfs (NM_001406761.1, NM_001406762.1, NM_001406764.1 and 1 more transcripts); c.988_989TG[2], p.Val331Glyfs (NM_001406766.1, NM_001406767.1, NM_001406770.1); c.880_881TG[2], p.Val295Glyfs (NM_001406769.1, NM_001406772.1); c.838_839TG[2], p.Val281Glyfs (NM_001406771.1, NM_001406773.1); c.751_752TG[2], p.Val252Glyfs (NM_001406774.1); c.550_551TG[2], p.Val185Glyfs (NM_001406775.1, NM_001406776.1, NM_001406777.1 and 1 more transcripts); and 1 more; short protein forms V173fs, V427fs.
Identifiers: ClinVar variation 590798 (VCV000590798.4), dbSNP rs1564494285, ClinGen allele CA891862860.